The following is an entry in ClinVar:

ClinVar aggregate classification (germline): Uncertain significance (1 of 4 stars; one submission).

Submission:

Labcorp Genetics (formerly Invitae), Labcorp
Classification: Uncertain significance. Last evaluated: 2023-10-24. Review status: criteria provided, single submitter. Criteria: Invitae Variant Classification Sherloc (09022015). Collection method: clinical testing. Allele origin: germline.
Comment: This sequence change replaces methionine, which is neutral and non-polar, with valine, which is neutral and non-polar, at codon 1953 of the KAT6A protein (p.Met1953Val). This variant is not present in population databases (gnomAD no frequency). This variant has not been reported in the literature in individuals affected with KAT6A-related conditions. Experimental studies and prediction algorithms are not available or were not evaluated, and the functional significance of this variant is currently unknown. In summary, the available evidence is currently insufficient to determine the role of this variant in disease. Therefore, it has been classified as a Variant of Uncertain Significance.

NM_006766.5(KAT6A):c.5857A>G (p.Met1953Val)

Gene: KAT6A (lysine acetyltransferase 6A; minus strand). Cytogenetic location: 8p11.21.
Variant type: single nucleotide variant.
Coding change: c.5857A>G on transcript NM_006766.5 (MANE Select); coding-DNA position 5857, A replaced by G.
Protein change: p.Met1953Val; replaces methionine 1953 with valine.
Molecular consequence: missense variant.
Genome position (GRCh38, 1-based): chr8:41,932,363, T>C on the plus strand (A>G on the coding strand, the complement: KAT6A is on the minus strand). VCF-style: chr8-41932363-T-C. GRCh37 (hg19) VCF-style: chr8-41789881-T-C.
Other names: short protein forms M1953V.
Identifiers: ClinVar variation 2768415 (VCV002768415.3), dbSNP rs2486750366, ClinGen allele CA371060173.
Genomic context (GRCh38, chr8:41,932,363, plus strand): 5'-GAGGGTTAGGCTGCATAGGCTGCTGGGTATAGGCCTGGCTCCCCATCATTCCCATCTGCA[T>C]CTGCATAGGATACTGTGCTGTCTGGTTCATGTAGGCAGGGTTACTATGGTAACTGCTGTT-3'
Protein context (NP_006757.2, residues 1943-1963): MNQTAQYPMQ[Met1953Val]QMGMMGSQAY